The following is an entry in ClinVar:

ClinVar aggregate classification (germline): Uncertain significance (1 of 4 stars; one submission).

Submission:

Labcorp Genetics (formerly Invitae), Labcorp
Classification: Uncertain significance. Last evaluated: 2022-05-25. Review status: criteria provided, single submitter. Criteria: Invitae Variant Classification Sherloc (09022015). Collection method: clinical testing. Allele origin: germline.
Comment: This variant has not been reported in the literature in individuals affected with IL6ST-related conditions. This variant is not present in population databases (gnomAD no frequency). This sequence change falls in intron 13 of the IL6ST gene. It does not directly change the encoded amino acid sequence of the IL6ST protein. Algorithms developed to predict the effect of sequence changes on RNA splicing suggest that this variant may disrupt the consensus splice site. In summary, the available evidence is currently insufficient to determine the role of this variant in disease. Therefore, it has been classified as a Variant of Uncertain Significance.

NM_002184.4(IL6ST):c.1700-8T>A

Gene: IL6ST (interleukin 6 cytokine family signal transducer; minus strand). Cytogenetic location: 5q11.2.
Variant type: single nucleotide variant.
Coding change: c.1700-8T>A on transcript NM_002184.4 (MANE Select); 8 bases into the intron before coding-DNA position 1700, T replaced by A.
Molecular consequence: intron variant.
Genome position (GRCh38, 1-based): chr5:55,951,612, A>T on the plus strand (T>A on the coding strand, the complement: IL6ST is on the minus strand). VCF-style: chr5-55951612-A-T. GRCh37 (hg19) VCF-style: chr5-55247440-A-T.
Other names: c.1490-8T>A (NM_001364276.2); c.704-8T>A (NM_001364279.2); c.797-8T>A (NM_001364278.2); c.833-8T>A (NM_001364277.2); c.*627-8T>A (NM_175767.3); c.1517-8T>A (NM_001190981.2); c.1598-8T>A (NM_001364275.2).
Identifiers: ClinVar variation 1347499 (VCV001347499.6), dbSNP rs1751640428, ClinGen allele CA2573139728.